The following is an entry in ClinVar:

ClinVar aggregate classification (germline): Uncertain significance (1 of 4 stars; one submission).

Allele frequency attached by ClinVar (database versions not stated): ExAC 0.00005; TOPMed 0.00006.
gnomAD v4.1: 40 of 1,614,204 alleles (0.0025%); highest among the groups gnomAD compares: African/African-American, 0.028%; no homozygotes.

Submission:

Labcorp Genetics (formerly Invitae), Labcorp
Classification: Uncertain significance. Last evaluated: 2025-05-27. Review status: criteria provided, single submitter. Criteria: Invitae Variant Classification Sherloc (09022015). Collection method: clinical testing. Allele origin: germline.
Comment: This sequence change replaces glutamic acid, which is acidic and polar, with glycine, which is neutral and non-polar, at codon 89 of the REST protein (p.Glu89Gly). This variant is present in population databases (rs796154475, gnomAD 0.02%). This variant has not been reported in the literature in individuals affected with REST-related conditions. ClinVar contains an entry for this variant (Variation ID: 2172802). An algorithm developed to predict the effect of missense changes on protein structure and function (PolyPhen-2) suggests that this variant is likely to be tolerated. In summary, the available evidence is currently insufficient to determine the role of this variant in disease. Therefore, it has been classified as a Variant of Uncertain Significance.

NM_005612.5(REST):c.266A>G (p.Glu89Gly)

Gene: REST (RE1 silencing transcription factor; plus strand). Cytogenetic location: 4q12.
Variant type: single nucleotide variant.
Coding change: c.266A>G on transcript NM_005612.5 (MANE Select); coding-DNA position 266, A replaced by G.
Protein change: p.Glu89Gly; replaces glutamic acid 89 with glycine.
Molecular consequence: missense variant.
Genome position (GRCh38, 1-based): chr4:56,910,904, A>G. VCF-style: chr4-56910904-A-G. GRCh37 (hg19) VCF-style: chr4-57777070-A-G.
Other names: c.266A>G, p.Glu89Gly (NM_001193508.2, NM_001363453.3); short protein forms E89G.
Identifiers: ClinVar variation 2172802 (VCV002172802.4), dbSNP rs796154475, ClinGen allele CA2932064.